The following is an entry in ClinVar:

ClinVar aggregate classification (germline): Conflicting classifications of pathogenicity. Review status: criteria provided, conflicting classifications (1 of 4 stars). 4 submissions from 4 submitters: Uncertain significance (2); Likely benign (1). 1 of the submissions does not count toward it. Last evaluated 2025-10-01.

Conditions:
Cardiovascular phenotype. Identifiers: MedGen CN230736.
Alstrom syndrome (ALMS). Identifiers: Orphanet 64, MedGen C0268425, MONDO:0008763, OMIM 203800.

Allele frequency attached by ClinVar (database versions not stated): gnomAD exomes below 0.00001 and 0.00001; ExAC 0.00002; gnomAD 0.00009 and 0.00008; TOPMed 0.00010; ESP Exome Variant Server 0.00008.
gnomAD v4.1: 19 of 1,613,920 alleles (0.0012%); highest among the groups gnomAD compares: African/African-American, 0.024%; no homozygotes.

Submissions (4):

Ambry Genetics
Classification: Likely benign for Cardiovascular phenotype. Last evaluated: 2025-10-01. Review status: criteria provided, single submitter. Criteria: Ambry Variant Classification Scheme 2023. Collection method: clinical testing. Allele origin: germline.

Women's Health and Genetics/Laboratory Corporation of America, LabCorp
Classification: Uncertain significance. Last evaluated: 2025-04-17. Review status: criteria provided, single submitter. Criteria: LabCorp Variant Classification Summary - May 2015. Collection method: clinical testing. Allele origin: germline.

Labcorp Genetics (formerly Invitae), Labcorp
Classification: Uncertain significance for Alstrom syndrome. Last evaluated: 2022-10-24. Review status: criteria provided, single submitter. Criteria: Invitae Variant Classification Sherloc (09022015). Collection method: clinical testing. Allele origin: germline.
Comment: This sequence change replaces threonine, which is neutral and polar, with isoleucine, which is neutral and non-polar, at codon 355 of the ALMS1 protein (p.Thr355Ile). This variant is present in population databases (rs370726988, gnomAD 0.03%). This variant has not been reported in the literature in individuals affected with ALMS1-related conditions. ClinVar contains an entry for this variant (Variation ID: 552002). Experimental studies and prediction algorithms are not available or were not evaluated, and the functional significance of this variant is currently unknown. In summary, the available evidence is currently insufficient to determine the role of this variant in disease. Therefore, it has been classified as a Variant of Uncertain Significance.

Counsyl
Classification: Uncertain significance for Alstrom syndrome. Last evaluated: 2017-05-26. Review status: no assertion criteria provided. Collection method: clinical testing. Allele origin: unknown. Not counted in ClinVar's aggregate classification.

NM_001378454.1(ALMS1):c.1061C>T (p.Thr354Ile)

Gene: ALMS1 (ALMS1 centrosome and basal body associated protein; plus strand). Cytogenetic location: 2p13.1.
Variant type: single nucleotide variant.
Coding change: c.1061C>T on transcript NM_001378454.1 (MANE Select); coding-DNA position 1061, C replaced by T.
Protein change: p.Thr354Ile; replaces threonine 354 with isoleucine.
Molecular consequence: missense variant.
Genome position (GRCh38, 1-based): chr2:73,424,726, C>T. VCF-style: chr2-73424726-C-T. GRCh37 (hg19) VCF-style: chr2-73651854-C-T.
Other names: c.1064C>T, p.Thr355Ile (NM_015120.4); short protein forms T355I, T354I.
Identifiers: ClinVar variation 552002 (VCV000552002.8), dbSNP rs370726988, ClinGen allele CA1713041.
Genomic context (GRCh38, chr2:73,424,726, plus strand): 5'-AAGACTGTGATCGTTATGATGATCTTTGTTCATATATGTCATGGAAGACACGAAAAGATA[C>T]ACAGTGGCCTGAAAACAATTTAGCTGATAAAGATCAAGTTTCAGTTGCAACTTCATTTGA-3'
Protein context (NP_001365383.1, residues 344-364): SYMSWKTRKD[Thr354Ile]QWPENNLADK